The following is an entry in ClinVar:

ClinVar aggregate classification (germline): Uncertain significance (1 of 4 stars; one submission).

Submission:

Labcorp Genetics (formerly Invitae), Labcorp
Classification: Uncertain significance. Last evaluated: 2022-06-16. Review status: criteria provided, single submitter. Criteria: Invitae Variant Classification Sherloc (09022015). Collection method: clinical testing. Allele origin: germline.
Comment: This sequence change replaces lysine, which is basic and polar, with glutamic acid, which is acidic and polar, at codon 283 of the UNC80 protein (p.Lys283Glu). This variant is not present in population databases (gnomAD no frequency). This variant has not been reported in the literature in individuals affected with UNC80-related conditions. Algorithms developed to predict the effect of missense changes on protein structure and function are either unavailable or do not agree on the potential impact of this missense change (SIFT: "Not Available"; PolyPhen-2: "Benign"; Align-GVGD: "Not Available"). In summary, the available evidence is currently insufficient to determine the role of this variant in disease. Therefore, it has been classified as a Variant of Uncertain Significance.

NM_001371986.1(UNC80):c.847A>G (p.Lys283Glu)

Gene: UNC80 (unc-80 homolog, NALCN channel complex subunit; plus strand). Cytogenetic location: 2q34.
Variant type: single nucleotide variant.
Coding change: c.847A>G on transcript NM_001371986.1 (MANE Select); coding-DNA position 847, A replaced by G.
Protein change: p.Lys283Glu; replaces lysine 283 with glutamic acid.
Molecular consequence: missense variant.
Genome position (GRCh38, 1-based): chr2:209,793,768, A>G. VCF-style: chr2-209793768-A-G. GRCh37 (hg19) VCF-style: chr2-210658492-A-G.
Other names: c.847A>G, p.Lys283Glu (NM_032504.2, NM_182587.4); short protein forms K283E.
Identifiers: ClinVar variation 2007378 (VCV002007378.1), dbSNP rs2470922992, ClinGen allele CA350132461.